The following is an entry in ClinVar:

ClinVar aggregate classification (germline): Conflicting classifications of pathogenicity. Review status: criteria provided, conflicting classifications (1 of 4 stars). 3 submissions from 3 submitters: Uncertain significance (1); Likely benign (2). Last evaluated 2025-11-26.

Conditions:
Progressive familial heart block type IB (PFHB1B). Identifiers: Orphanet 871, MedGen C1970298, MONDO:0011474, OMIM 604559.
Erythrokeratodermia variabilis et progressiva 6. Identifiers: MedGen C5193144, MONDO:0032801, OMIM 618531.

Allele frequency attached by ClinVar (database versions not stated): TOPMed 0.00001; ESP Exome Variant Server 0.00008.
gnomAD v4.1: 8 of 1,614,070 alleles (0.0005%); highest among the groups gnomAD compares: Non-Finnish European, 0.00068%; no homozygotes.

Submissions (3):

Labcorp Genetics (formerly Invitae), Labcorp
Classification: Likely benign for Progressive familial heart block type IB. Last evaluated: 2025-11-26. Review status: criteria provided, single submitter. Criteria: Invitae Variant Classification Sherloc (09022015). Collection method: clinical testing. Allele origin: germline.

GeneDx
Classification: Uncertain significance. Last evaluated: 2024-03-28. Review status: criteria provided, single submitter. Criteria: GeneDx Variant Classification Process June 2021. Collection method: clinical testing. Allele origin: germline. Affected: yes.
Comment: Has not been previously published as pathogenic or benign to our knowledge; Not observed at significant frequency in large population cohorts (gnomAD); In silico analysis suggests this variant may impact gene splicing. In the absence of RNA/functional studies, the actual effect of this sequence change is unknown.

Fulgent Genetics
Classification: Likely benign for Progressive familial heart block type IB; Erythrokeratodermia variabilis et progressiva 6. Last evaluated: 2021-08-10. Review status: criteria provided, single submitter. Criteria: ACMG Guidelines, 2015. Collection method: clinical testing. Allele origin: unknown.

NM_017636.4(TRPM4):c.3329-8C>G

Gene: TRPM4 (transient receptor potential cation channel subfamily M member 4; plus strand). Cytogenetic location: 19q13.33.
Variant type: single nucleotide variant.
Coding change: c.3329-8C>G on transcript NM_017636.4 (MANE Select); 8 bases into the intron before coding-DNA position 3329, C replaced by G.
Molecular consequence: intron variant.
Genome position (GRCh38, 1-based): chr19:49,210,702, C>G. VCF-style: chr19-49210702-C-G. GRCh37 (hg19) VCF-style: chr19-49713959-C-G.
Other names: c.2894-8C>G (NM_001195227.2); c.1721-8C>G (NM_001321282.2); c.2984-8C>G (NM_001321281.2); c.2807-8C>G (NM_001321283.2); c.2267-8C>G (NM_001321285.2).
Identifiers: ClinVar variation 726551 (VCV000726551.23), dbSNP rs369748756, ClinGen allele CA9569872.